The following is an entry in ClinVar:

ClinVar aggregate classification (germline): Uncertain significance (1 of 4 stars; one submission).

Submission:

GeneDx
Classification: Uncertain significance. Last evaluated: 2023-03-14. Review status: criteria provided, single submitter. Criteria: GeneDx Variant Classification Process June 2021. Collection method: clinical testing. Allele origin: germline. Affected: yes.
Comment: Not observed at significant frequency in large population cohorts (gnomAD); In silico analysis supports that this missense variant does not alter protein structure/function; Has not been previously published as pathogenic or benign to our knowledge

NM_005271.5(GLUD1):c.271A>T (p.Thr91Ser)

Genes: GLUD1 (glutamate dehydrogenase 1; minus strand), SHLD2 (shieldin complex subunit 2; plus strand). Cytogenetic location: 10q23.2.
Variant type: single nucleotide variant.
Coding change: c.271A>T on transcript NM_005271.5 (MANE Select); coding-DNA position 271, A replaced by T.
Protein change: p.Thr91Ser; replaces threonine 91 with serine.
Molecular consequence: missense variant. On other transcripts: 5 prime UTR variant (3).
Genome position (GRCh38, 1-based): chr10:87,094,499, T>A on the plus strand (A>T on the coding strand, the complement: GLUD1 is on the minus strand). VCF-style: chr10-87094499-T-A. GRCh37 (hg19) VCF-style: chr10-88854256-T-A.
Other names: c.-458A>T (NM_001318904.2); c.-584A>T (NM_001318905.2); c.-291A>T (NM_001318906.2); short protein forms T91S.
Identifiers: ClinVar variation 2580087 (VCV002580087.1), dbSNP rs1360561057, ClinGen allele CA377455700.